The following is an entry in ClinVar:

NM_005477.3(HCN4):c.2063A>G (p.Asn688Ser)

Gene: HCN4 (hyperpolarization activated cyclic nucleotide gated potassium channel 4; minus strand). Cytogenetic location: 15q24.1.
Variant type: single nucleotide variant.
Coding change: c.2063A>G on transcript NM_005477.3 (MANE Select); coding-DNA position 2063, A replaced by G.
Protein change: p.Asn688Ser; replaces asparagine 688 with serine.
Molecular consequence: missense variant.
Genome position (GRCh38, 1-based): chr15:73,324,169, T>C on the plus strand (A>G on the coding strand, the complement: HCN4 is on the minus strand). VCF-style: chr15-73324169-T-C. GRCh37 (hg19) VCF-style: chr15-73616510-T-C.
Other names: short protein forms N688S.
Identifiers: ClinVar variation 1085715 (VCV001085715.14), dbSNP rs778801845, ClinGen allele CA7649131.

ClinVar aggregate classification (germline): Conflicting classifications of pathogenicity. Review status: criteria provided, conflicting classifications (1 of 4 stars). 4 submissions from 4 submitters: Uncertain significance (2); Likely benign (2). Last evaluated 2025-12-21.

Conditions:
Brugada syndrome 8 (BRGDA8). Identifiers: Orphanet 130, MedGen C2751083, MONDO:0013148, OMIM 613123.
Cardiovascular phenotype. Identifiers: MedGen CN230736.

Allele frequency attached by ClinVar (database versions not stated): gnomAD 0.00002; gnomAD exomes 0.00008 and 0.00004; ExAC 0.00010; TOPMed 0.00004.
gnomAD v4.1: 61 of 1,613,946 alleles (0.0038%); highest among the groups gnomAD compares: Middle Eastern, 0.033%; no homozygotes.

Submissions (4):

Labcorp Genetics (formerly Invitae), Labcorp
Classification: Likely benign for Brugada syndrome 8. Last evaluated: 2025-12-21. Review status: criteria provided, single submitter. Criteria: Invitae Variant Classification Sherloc (09022015). Collection method: clinical testing. Allele origin: germline.

Ambry Genetics
Classification: Uncertain significance for Cardiovascular phenotype. Last evaluated: 2025-05-03. Review status: criteria provided, single submitter. Criteria: Ambry Variant Classification Scheme 2023. Collection method: clinical testing. Allele origin: germline.
Comment: The p.N688S variant (also known as c.2063A>G), located in coding exon 7 of the HCN4 gene, results from an A to G substitution at nucleotide position 2063. The asparagine at codon 688 is replaced by serine, an amino acid with highly similar properties. This variant was identified in an individual in the Framingham Heart Study. In vitro electrophysiological studies from the same group indicated that this variant may not impact protein function (Macri V et al. Heart Rhythm, 2014 Jun;11:1055-1062). This amino acid position is well conserved in available vertebrate species. In addition, this alteration is predicted to be tolerated by in silico analysis. Since supporting evidence is limited at this time, the clinical significance of this alteration remains unclear.

Blueprint Genetics
Classification: Likely benign. Last evaluated: 2024-10-17. Review status: criteria provided, single submitter. Criteria: ACMG Guidelines, 2015. Collection method: clinical testing. Allele origin: germline.

GeneDx
Classification: Uncertain significance. Last evaluated: 2023-08-04. Review status: criteria provided, single submitter. Criteria: GeneDx Variant Classification Process June 2021. Collection method: clinical testing. Allele origin: germline. Affected: yes.
Comment: Has not been previously published as pathogenic or benign in association with a HCN4-related disorder to our knowledge; In silico analysis supports that this missense variant has a deleterious effect on protein structure/function; This variant is associated with the following publications: (PMID: 24607718)

Literature cited by the submitters: PubMed 24607718 (cited by Ambry Genetics).